The following is an entry in ClinVar:

ClinVar aggregate classification (germline): Pathogenic (0 of 4 stars; one submission).

Submission:

GenMed Metabolism Lab
Classification: Pathogenic. Review status: no assertion criteria provided. Collection method: not provided. Allele origin: unknown.
Comment: p.His302Tyr, Neonatal
ClinVar note: Converted during submission from pathogenic to Pathogenic.

NM_000531.6(OTC):c.904C>T (p.His302Tyr)

Gene: OTC (ornithine transcarbamylase; plus strand). Cytogenetic location: Xp11.4.
Variant type: single nucleotide variant.
Coding change: c.904C>T on transcript NM_000531.6 (MANE Select); coding-DNA position 904, C replaced by T.
Protein change: p.His302Tyr; replaces histidine 302 with tyrosine.
Molecular consequence: missense variant.
Genome position (GRCh38, 1-based): chrX:38,411,898, C>T. VCF-style: chrX-38411898-C-T. GRCh37 (hg19) VCF-style: chrX-38271151-C-T.
Other names: short protein forms H302Y.
Identifiers: ClinVar variation 97351 (VCV000097351.2), dbSNP rs72558463, ClinGen allele CA224824.